The following is an entry in ClinVar:

NM_015450.3(POT1):c.1309C>T (p.His437Tyr)

Gene: POT1 (protection of telomeres 1; minus strand). Cytogenetic location: 7q31.33.
Variant type: single nucleotide variant.
Coding change: c.1309C>T on transcript NM_015450.3 (MANE Select); coding-DNA position 1309, C replaced by T.
Protein change: p.His437Tyr; replaces histidine 437 with tyrosine.
Molecular consequence: missense variant. On other transcripts: non-coding transcript variant (3).
Genome position (GRCh38, 1-based): chr7:124,841,033, G>A on the plus strand (C>T on the coding strand, the complement: POT1 is on the minus strand). VCF-style: chr7-124841033-G-A. GRCh37 (hg19) VCF-style: chr7-124481087-G-A.
Other names: c.916C>T, p.His306Tyr (NM_001042594.2); short protein forms H306Y, H437Y.
Identifiers: ClinVar variation 3781999 (VCV003781999.1).

ClinVar aggregate classification (germline): Uncertain significance (1 of 4 stars; one submission).

Conditions:
Hereditary cancer-predisposing syndrome. Also called: Neoplastic Syndromes, Hereditary; Hereditary Cancer Syndrome; Tumor predisposition; Hereditary neoplastic syndrome. Identifiers: Orphanet 140162, MedGen C0027672, MeSH D009386, MONDO:0015356.

Submission:

Ambry Genetics
Classification: Uncertain significance for Hereditary cancer-predisposing syndrome. Last evaluated: 2025-01-22. Review status: criteria provided, single submitter. Criteria: Ambry Variant Classification Scheme 2023. Collection method: clinical testing. Allele origin: germline.
Comment: The p.H437Y variant (also known as c.1309C>T), located in coding exon 10 of the POT1 gene, results from a C to T substitution at nucleotide position 1309. The histidine at codon 437 is replaced by tyrosine, an amino acid with similar properties. This amino acid position is conserved. In addition, the in silico prediction for this alteration is inconclusive. Based on the available evidence, the clinical significance of this variant remains unclear.